The following is an entry in ClinVar:

NM_001040716.2(PC):c.844dup (p.His282fs)

Gene: PC (pyruvate carboxylase; minus strand). Cytogenetic location: 11q13.2.
Variant type: Duplication.
Coding change: c.844dup on transcript NM_001040716.2 (MANE Select); coding-DNA position 844, one base duplicated (C; older notation c.844dupC).
Protein change: p.His282fs; shifts the reading frame from histidine 282.
Molecular consequence: frameshift variant.
Genome position (GRCh38, 1-based): chr11:66,870,361, G duplicated on the plus strand (C on the coding strand, the reverse complement: PC is on the minus strand); the first of 3 consecutive G bases (chr11:66,870,361-66,870,363); duplicating any one gives the same sequence. VCF-style (leftmost placement, unchanged base first): chr11-66870360-T-TG. GRCh37 (hg19) VCF-style: chr11-66637831-T-TG.
Other names: c.844dup, p.His282fs (NM_000920.4, NM_001439352.1, NM_001439353.1 and 5 more transcripts); short protein forms H282fs.
Identifiers: ClinVar variation 5012283 (VCV005012283.1).

ClinVar aggregate classification (germline): Pathogenic (1 of 4 stars; one submission).

Conditions:
Pyruvate carboxylase deficiency. Also called: ATAXIA WITH LACTIC ACIDOSIS II; LEIGH NECROTIZING ENCEPHALOPATHY DUE TO PYRUVATE CARBOXYLASE DEFICIENCY; LEIGH SYNDROME DUE TO PYRUVATE CARBOXYLASE DEFICIENCY; PC DEFICIENCY; Pyruvate Carboxylase Deficiency Disease. Identifiers: Orphanet 3008, MedGen C0034341, MONDO:0009949, OMIM 266150.

Submission:

Myriad Genetics, Inc.
Classification: Pathogenic for Pyruvate carboxylase deficiency. Last evaluated: 2023-09-27. Review status: criteria provided, single submitter. Criteria: Myriad Autosomal Dominant, Autosomal Recessive and X-Linked Classification Criteria (2023). Collection method: clinical testing. Allele origin: unknown.
Comment: NM_000920.3(PC):c.844dupC(H282Pfs*19) is expected to be pathogenic in the context of pyruvate carboxylase deficiency. This variant is predicted to lead to an abnormal or absent protein product due to the creation of a premature termination codon in PC, a gene where loss-of-function variants are known to be pathogenic. Please note: this variant was assessed in the context of healthy population screening.